The following is an entry in ClinVar:

NM_032199.3(ARID5B):c.137G>A (p.Cys46Tyr)

Gene: ARID5B (AT-rich interaction domain 5B; plus strand). Cytogenetic location: 10q21.2.
Variant type: single nucleotide variant.
Coding change: c.137G>A on transcript NM_032199.3 (MANE Select); coding-DNA position 137, G replaced by A.
Protein change: p.Cys46Tyr; replaces cysteine 46 with tyrosine.
Molecular consequence: missense variant.
Genome position (GRCh38, 1-based): chr10:61,902,274, G>A. VCF-style: chr10-61902274-G-A. GRCh37 (hg19) VCF-style: chr10-63662033-G-A.
Other names: short protein forms C46Y.
Identifiers: ClinVar variation 2635514 (VCV002635514.1), dbSNP rs1053149301, ClinGen allele CA377076239.

ClinVar aggregate classification (germline): Uncertain significance (1 of 4 stars; one submission).

Conditions:
ARID5B-related disorder. Also called: ARID5B-related condition.

Submission:

PreventionGenetics, part of Exact Sciences
Classification: Uncertain significance for ARID5B-related condition. Last evaluated: 2022-12-05. Review status: criteria provided, single submitter. Criteria: ACMG Guidelines, 2015. Collection method: clinical testing. Allele origin: germline.
Comment: The ARID5B c.137G>A variant is predicted to result in the amino acid substitution p.Cys46Tyr. To our knowledge, this variant has not been reported in the literature or in a large population database, indicating this variant is rare. At this time, the clinical significance of this variant is uncertain due to the absence of conclusive functional and genetic evidence.